The following is an entry in ClinVar:

ClinVar aggregate classification (germline): Uncertain significance. Review status: criteria provided, multiple submitters, no conflicts (2 of 4 stars). 7 submissions from 7 submitters: Uncertain significance (7). Last evaluated 2025-12-21.

Conditions:
Von Hippel-Lindau syndrome (VHLS). Also called: Von Hippel-Lindau; von Hippel–Lindau syndrome; VHL syndrome. Identifiers: Orphanet 892, MedGen C0019562, MONDO:0008667, OMIM 193300. Disease mechanism: loss of function.
Chuvash polycythemia. Also called: POLYCYTHEMIA, VHL-DEPENDENT. Identifiers: Orphanet 238557, MedGen C1837915, MONDO:0009892, OMIM 263400.
Hereditary cancer-predisposing syndrome. Also called: Hereditary Cancer Syndrome; Neoplastic Syndromes, Hereditary; Tumor predisposition; Hereditary neoplastic syndrome. Identifiers: Orphanet 140162, MedGen C0027672, MeSH D009386, MONDO:0015356.
Nonpapillary renal cell carcinoma. Identifiers: Orphanet 422526, MedGen CN074294, MONDO:0007763, OMIM 144700.
Pheochromocytoma. Also called: MAX-Related Hereditary Paraganglioma-Pheochromocytoma Syndrome. Identifiers: Orphanet 29072, MedGen C0031511, MONDO:0008233, OMIM 171300, HP:0002666.

Allele frequency attached by ClinVar (database versions not stated): gnomAD exomes 0.00003; TOPMed 0.00003; gnomAD 0.00001.
gnomAD v4.1: 90 of 1,541,246 alleles (0.0058%); highest among the groups gnomAD compares: Non-Finnish European, 0.0075%; no homozygotes.

Submissions (7):

Labcorp Genetics (formerly Invitae), Labcorp
Classification: Uncertain significance for Von Hippel-Lindau syndrome; Chuvash polycythemia. Last evaluated: 2025-12-21. Review status: criteria provided, single submitter. Criteria: Invitae Variant Classification Sherloc (09022015). Collection method: clinical testing. Allele origin: germline.
Comment: This sequence change replaces glutamic acid, which is acidic and polar, with glycine, which is neutral and non-polar, at codon 32 of the VHL protein (p.Glu32Gly). This variant is present in population databases (rs786203104, gnomAD 0.007%). This variant has not been reported in the literature in individuals affected with VHL-related conditions. ClinVar contains an entry for this variant (Variation ID: 186635). Invitae Evidence Modeling of protein sequence and biophysical properties (such as structural, functional, and spatial information, amino acid conservation, physicochemical variation, residue mobility, and thermodynamic stability) indicates that this missense variant is not expected to disrupt VHL protein function with a negative predictive value of 95%. In summary, the available evidence is currently insufficient to determine the role of this variant in disease. Therefore, it has been classified as a Variant of Uncertain Significance.

Color Diagnostics, LLC DBA Color Health
Classification: Uncertain significance for Von Hippel-Lindau syndrome. Last evaluated: 2025-07-14. Review status: criteria provided, single submitter. Criteria: ACMG Guidelines, 2015. Collection method: clinical testing. Allele origin: germline.
Comment: This missense variant replaces glutamic acid with glycine at codon 32 of the VHL protein. Computational prediction suggests that this variant may not impact protein structure and function. To our knowledge, functional studies have not been reported for this variant. This variant has not been reported in individuals affected with VHL-related disorders in the literature. This variant has been identified in 4/145516 chromosomes in the general population by the Genome Aggregation Database (gnomAD). The available evidence is insufficient to determine the role of this variant in disease conclusively. Therefore, this variant is classified as a Variant of Uncertain Significance.

Ambry Genetics
Classification: Uncertain significance for Hereditary cancer-predisposing syndrome. Last evaluated: 2025-04-23. Review status: criteria provided, single submitter. Criteria: Ambry Variant Classification Scheme 2023. Collection method: clinical testing. Allele origin: germline.
Comment: The p.E32G variant (also known as c.95A>G), located in coding exon 1 of the VHL gene, results from an A to G substitution at nucleotide position 95. The glutamic acid at codon 32 is replaced by glycine, an amino acid with similar properties. This amino acid position is not well conserved in available vertebrate species. In addition, this alteration is predicted to be tolerated by in silico analysis. Since supporting evidence is limited at this time, the clinical significance of this alteration remains unclear.

GeneDx
Classification: Uncertain significance. Last evaluated: 2024-12-11. Review status: criteria provided, single submitter. Criteria: GeneDx Variant Classification Process June 2021. Collection method: clinical testing. Allele origin: germline. Affected: yes.
Comment: In silico analysis indicates that this missense variant does not alter protein structure/function; Has not been previously published as pathogenic or benign to our knowledge; This variant is associated with the following publications: (PMID: RegetiK2018[abstract])

All of Us Research Program, National Institutes of Health
Classification: Uncertain significance for Von Hippel-Lindau syndrome. Last evaluated: 2023-12-01. Review status: criteria provided, single submitter. Criteria: ACMG Guidelines, 2015. Collection method: clinical testing. Allele origin: germline. Inheritance: Autosomal dominant inheritance. Observed: 4 variant alleles, 4 heterozygotes.
Comment: This missense variant replaces glutamic acid with glycine at codon 32 of the VHL protein. Computational prediction suggests that this variant may not impact protein structure and function (internally defined REVEL score threshold <= 0.5, PMID: 27666373). To our knowledge, functional studies have not been reported for this variant. This variant has not been reported in individuals affected with VHL-related disorders in the literature. This variant has been identified in 4/145516 chromosomes in the general population by the Genome Aggregation Database (gnomAD). The available evidence is insufficient to determine the role of this variant in disease conclusively. Therefore, this variant is classified as a Variant of Uncertain Significance.

This study involves interpretation of variants in research participants for the purpose of population health screening. Participant phenotype was not available at the time of variant classification. Additional details can be found in publication PMID: 35346344, PMCID: PMC8962531

Sema4
Classification: Uncertain significance for Hereditary cancer-predisposing syndrome. Last evaluated: 2022-03-01. Review status: criteria provided, single submitter. Criteria: Sema4 Curation Guidelines. Collection method: curation. Allele origin: germline.
Comment: To the best of our knowledge, the VHL c.95A>G (p.E32G) variant has not been reported in individuals with VHL-related disease. It was observed in 3/54078 chromosomes of the European (non-Finnish) subpopulation in the large and broad cohorts of the Genome Aggregation Database (PMID: 32461654). This variant has been reported in ClinVar (Variation ID 186635). Functional studies have not been performed, and in silico predictions of the variant's effect on protein function are inconclusive. The evidence is insufficient to meet ACMG/AMP criteria for classifying the variant as benign or pathogenic. Thus, the clinical significance of this variant is currently uncertain.

Fulgent Genetics
Classification: Uncertain significance for Nonpapillary renal cell carcinoma; Pheochromocytoma; Von Hippel-Lindau syndrome; Chuvash polycythemia. Last evaluated: 2021-11-11. Review status: criteria provided, single submitter. Criteria: ACMG Guidelines, 2015. Collection method: clinical testing. Allele origin: unknown.

NM_000551.4(VHL):c.95A>G (p.Glu32Gly)

Gene: VHL (von Hippel-Lindau tumor suppressor; plus strand). Cytogenetic location: 3p25.3.
Variant type: single nucleotide variant.
Coding change: c.95A>G on transcript NM_000551.4 (MANE Select); coding-DNA position 95, A replaced by G.
Protein change: p.Glu32Gly; replaces glutamic acid 32 with glycine.
Molecular consequence: missense variant.
Genome position (GRCh38, 1-based): chr3:10,141,942, A>G. VCF-style: chr3-10141942-A-G. GRCh37 (hg19) VCF-style: chr3-10183626-A-G.
Other names: c.95A>G, p.Glu32Gly (NM_001354723.2, NM_198156.3); short protein forms E32G.
Identifiers: ClinVar variation 186635 (VCV000186635.25), dbSNP rs786203104, ClinGen allele CA020549.